The following is an entry in ClinVar:

NM_000057.4(BLM):c.587C>A (p.Ala196Glu)

Gene: BLM (BLM RecQ like helicase; plus strand). Cytogenetic location: 15q26.1.
Variant type: single nucleotide variant.
Coding change: c.587C>A on transcript NM_000057.4 (MANE Select); coding-DNA position 587, C replaced by A.
Protein change: p.Ala196Glu; replaces alanine 196 with glutamic acid.
Molecular consequence: missense variant. On other transcripts: 5 prime UTR variant (1).
Genome position (GRCh38, 1-based): chr15:90,749,855, C>A. VCF-style: chr15-90749855-C-A. GRCh37 (hg19) VCF-style: chr15-91293085-C-A.
Other names: c.587C>A, p.Ala196Glu (NM_001287246.2, NM_001287247.2); c.-705C>A (NM_001287248.2); short protein forms A196E.
Identifiers: ClinVar variation 1052684 (VCV001052684.9), dbSNP rs1895626846, ClinGen allele CA393841116.

ClinVar aggregate classification (germline): Uncertain significance (1 of 4 stars; one submission).

Conditions:
Bloom syndrome (BLM). Also called: Bloom-Torre-Machacek syndrome. Identifiers: Orphanet 125, MedGen C0005859, MONDO:0008876, OMIM 210900.

Submission:

Labcorp Genetics (formerly Invitae), Labcorp
Classification: Uncertain significance for Bloom syndrome. Last evaluated: 2020-06-30. Review status: criteria provided, single submitter. Criteria: Invitae Variant Classification Sherloc (09022015). Collection method: clinical testing. Allele origin: germline.
Comment: This sequence change replaces alanine with glutamic acid at codon 196 of the BLM protein (p.Ala196Glu). The alanine residue is weakly conserved and there is a moderate physicochemical difference between alanine and glutamic acid. In summary, the available evidence is currently insufficient to determine the role of this variant in disease. Therefore, it has been classified as a Variant of Uncertain Significance. Algorithms developed to predict the effect of missense changes on protein structure and function (SIFT, PolyPhen-2, Align-GVGD) all suggest that this variant is likely to be tolerated, but these predictions have not been confirmed by published functional studies and their clinical significance is uncertain. This variant has not been reported in the literature in individuals with BLM-related conditions. This variant is not present in population databases (ExAC no frequency).